The following is an entry in ClinVar:

NM_013432.5(TONSL):c.3793G>A (p.Val1265Ile)

Gene: TONSL (tonsoku like, DNA repair protein; minus strand). Cytogenetic location: 8q24.3.
Variant type: single nucleotide variant.
Coding change: c.3793G>A on transcript NM_013432.5 (MANE Select); coding-DNA position 3793, G replaced by A.
Protein change: p.Val1265Ile; replaces valine 1265 with isoleucine.
Molecular consequence: missense variant.
Genome position (GRCh38, 1-based): chr8:144,431,094, C>T on the plus strand (G>A on the coding strand, the complement: TONSL is on the minus strand). VCF-style: chr8-144431094-C-T. GRCh37 (hg19) VCF-style: chr8-145656477-C-T.
Other names: c.3793G>A (NM_013432.4); short protein forms V1265I.
Identifiers: ClinVar variation 3004072 (VCV003004072.2), dbSNP rs782563535, ClinGen allele CA4942382.
Genomic context (GRCh38, chr8:144,431,094, plus strand): 5'-AGATCAGACCCCCAGGTCAGCAGGCAGCAGGGAAAGGGCGTTACCTGCACAGGTCTCTAA[C>T]AGCCTTGTCCCCCAGGTGGTTTGCAGACAGGGTCAGGTGGGCTAGAGCACAGCCTTCCTG-3'
Protein context (NP_038460.4, residues 1255-1275): LSANHLGDKA[Val1265Ile]RDLCRCLSLC

ClinVar aggregate classification (germline): Conflicting classifications of pathogenicity. Review status: criteria provided, conflicting classifications (1 of 4 stars). 2 submissions from 2 submitters: Uncertain significance (1); Likely benign (1). Last evaluated 2025-12-04.

Conditions:
Inborn genetic diseases. Identifiers: MedGen C0950123, MeSH D030342.

Allele frequency attached by ClinVar (database versions not stated): TOPMed 0.00001; ExAC 0.00002.
gnomAD v4.1: 8 of 1,614,158 alleles (0.0005%); highest among the groups gnomAD compares: Admixed American, 0.012%; no homozygotes.

Submissions (2):

Ambry Genetics
Classification: Likely benign for Inborn genetic diseases. Last evaluated: 2025-12-04. Review status: criteria provided, single submitter. Criteria: Ambry Variant Classification Scheme 2023. Collection method: clinical testing. Allele origin: germline.

Labcorp Genetics (formerly Invitae), Labcorp
Classification: Uncertain significance. Last evaluated: 2024-01-19. Review status: criteria provided, single submitter. Criteria: Invitae Variant Classification Sherloc (09022015). Collection method: clinical testing. Allele origin: germline.
Comment: This sequence change replaces valine, which is neutral and non-polar, with isoleucine, which is neutral and non-polar, at codon 1265 of the TONSL protein (p.Val1265Ile). This variant is present in population databases (rs782563535, gnomAD 0.02%). This variant has not been reported in the literature in individuals affected with TONSL-related conditions. Advanced modeling of protein sequence and biophysical properties (such as structural, functional, and spatial information, amino acid conservation, physicochemical variation, residue mobility, and thermodynamic stability) performed at Invitae indicates that this missense variant is not expected to disrupt TONSL protein function with a negative predictive value of 80%. In summary, the available evidence is currently insufficient to determine the role of this variant in disease. Therefore, it has been classified as a Variant of Uncertain Significance.